The following is an entry in ClinVar:

ClinVar aggregate classification (germline): Uncertain significance (1 of 4 stars; one submission).

Conditions:
RPS28-related disorder. Also called: RPS28-related condition.

gnomAD v4.1: 6 of 1,587,740 alleles (0.00038%); highest among the groups gnomAD compares: Middle Eastern, 0.044%; no homozygotes.

Submission:

PreventionGenetics, part of Exact Sciences
Classification: Uncertain significance for RPS28-related condition. Last evaluated: 2026-06-25. Review status: criteria provided, single submitter. Criteria: ACMG Guidelines, 2015. Collection method: clinical testing. Allele origin: germline.
Comment: The RPS28 c.11G>A variant is predicted to result in the amino acid substitution p.Ser4Asn. To our knowledge, this variant has not been reported in the literature. This variant is reported in 0.0034% of alleles in individuals of Latino descent in gnomAD. At this time, the clinical significance of this variant is uncertain due to the absence of conclusive functional and genetic evidence.

NM_001031.5(RPS28):c.11G>A (p.Ser4Asn)

Gene: RPS28 (ribosomal protein S28; plus strand). Cytogenetic location: 19p13.2.
Variant type: single nucleotide variant.
Coding change: c.11G>A on transcript NM_001031.5 (MANE Select); coding-DNA position 11, G replaced by A.
Protein change: p.Ser4Asn; replaces serine 4 with asparagine.
Molecular consequence: missense variant.
Genome position (GRCh38, 1-based): chr19:8,321,541, G>A. VCF-style: chr19-8321541-G-A. GRCh37 (hg19) VCF-style: chr19-8386425-G-A.
Other names: short protein forms S4N.
Identifiers: ClinVar variation 4985917 (VCV004985917.1).